The following is an entry in ClinVar:

NM_000350.3(ABCA4):c.2023G>A (p.Val675Ile)

Gene: ABCA4 (ATP binding cassette subfamily A member 4; minus strand). Cytogenetic location: 1p22.1.
Variant type: single nucleotide variant.
Coding change: c.2023G>A on transcript NM_000350.3 (MANE Select); coding-DNA position 2023, G replaced by A.
Protein change: p.Val675Ile; replaces valine 675 with isoleucine.
Molecular consequence: missense variant.
Genome position (GRCh38, 1-based): chr1:94,060,674, C>T on the plus strand (G>A on the coding strand, the complement: ABCA4 is on the minus strand). VCF-style: chr1-94060674-C-T. GRCh37 (hg19) VCF-style: chr1-94526230-C-T.
Other names: c.2023G>A, p.Val675Ile (NM_001425324.1); short protein forms V675I.
Identifiers: ClinVar variation 288341 (VCV000288341.62), dbSNP rs575453437, ClinGen allele CA958364.
Genomic context (GRCh38, chr1:94,060,674, plus strand): 5'-CTGCATTGGAGACACCCTGATTTTTCAAGGTCTCCTTCAGTCGCAACTCCTTCTCCAAGA[C>T]GATGCTCTTCACAGTCATGGAGACAGAGTAGATCCATGCCAGCACCATGAAGATAGGGAA-3'
Protein context (NP_000341.2, residues 665-685): YSVSMTVKSI[Val675Ile]LEKELRLKET

ClinVar aggregate classification (germline): Pathogenic/Likely pathogenic. Review status: criteria provided, multiple submitters, no conflicts (2 of 4 stars). 9 submissions from 9 submitters: Pathogenic (2); Likely pathogenic (5). 2 of the submissions do not count toward it. Last evaluated 2026-03-28.

Conditions:
ABCA4-related disorder. Also called: ABCA4-related condition; ABCA4-related disorders. Identifiers: MedGen CN239167.
Age related macular degeneration 2. Also called: MACULAR DEGENERATION, SENILE; MACULOPATHY, AGE-RELATED, 2; MACULOPATHY, AGE-RELATED. Identifiers: MedGen C3495438, MONDO:0007932, OMIM 153800.
Severe early-childhood-onset retinal dystrophy (STGD1). Also called: Stargardt macular dystrophy; Juvenile onset macular degeneration; Stargardt disease 1; STGD; MACULAR DYSTROPHY WITH FLECKS, TYPE 1. Identifiers: Orphanet 364055, Orphanet 827, MedGen C1855465, MeSH D000080362, MONDO:0009549, OMIM 248200.
Cone-rod dystrophy 3 (CORD3). Identifiers: Orphanet 1872, MedGen C1858806, MONDO:0011395, OMIM 604116.
Retinitis pigmentosa 19 (RP19). Also called: ABCA4-Related Retinitis Pigmentosa. Identifiers: Orphanet 791, MedGen C1866422, MONDO:0011137, OMIM 601718.
Stargardt disease 3. Also called: STARGARDT-LIKE MACULAR DYSTROPHY, AUTOSOMAL DOMINANT; MACULAR DYSTROPHY WITH FLECKS, TYPE 3. Identifiers: Orphanet 827, MedGen C1838644, MONDO:0010819, OMIM 600110.

Allele frequency attached by ClinVar (database versions not stated): gnomAD 0.00001 and 0.00002; gnomAD exomes 0.00003 and 0.00008; TOPMed 0.00003; ExAC 0.00005; 1000 Genomes Project 0.00020; 1000 Genomes Project 30x 0.00031.
gnomAD v4.1: 50 of 1,614,116 alleles (0.0031%); highest among the groups gnomAD compares: Admixed American, 0.033%; no homozygotes.

Submissions (9):

PreventionGenetics, part of Exact Sciences
Classification: Likely pathogenic for ABCA4-related condition. Last evaluated: 2026-03-28. Review status: criteria provided, single submitter. Criteria: ACMG Guidelines, 2015. Collection method: clinical testing. Allele origin: germline.
Comment: The ABCA4 c.2023G>A variant is predicted to result in the amino acid substitution p.Val675Ile. This variant has been reported along with a second ABCA4 variant in many individuals with ABCA4-related retinal disease (see for examples: Fujinami et al. 2013. PubMed ID: 23499370; Table S1, Del Pozo-Valero et al. 2020. PubMed ID: 32619608; Table S1, Lin et al. 2024. PubMed ID: 38219857). This variant is reported in 0.038% of alleles in individuals of Latino descent in gnomAD. A study of the allele frequency of this variant in patients and controls has classified this variant as mild/moderate (Table S2A, Cornelis et al. 2022. PubMed ID: 35120629). This variant is interpreted as likely pathogenic.

Labcorp Genetics (formerly Invitae), Labcorp
Classification: Pathogenic. Last evaluated: 2026-01-05. Review status: criteria provided, single submitter. Criteria: Invitae Variant Classification Sherloc (09022015). Collection method: clinical testing. Allele origin: germline.
Comment: This sequence change replaces valine, which is neutral and non-polar, with isoleucine, which is neutral and non-polar, at codon 675 of the ABCA4 protein (p.Val675Ile). This variant is present in population databases (rs575453437, gnomAD 0.04%). This missense change has been observed in individuals with Stargardt disease (PMID: 23499370, 26593885, 28041643, 30060493). It has also been observed to segregate with disease in related individuals. ClinVar contains an entry for this variant (Variation ID: 288341). Invitae Evidence Modeling of protein sequence and biophysical properties (such as structural, functional, and spatial information, amino acid conservation, physicochemical variation, residue mobility, and thermodynamic stability) indicates that this missense variant is expected to disrupt ABCA4 protein function with a positive predictive value of 95%. For these reasons, this variant has been classified as Pathogenic.

GeneDx
Classification: Likely pathogenic. Last evaluated: 2025-09-17. Review status: criteria provided, single submitter. Criteria: GeneDx Variant Classification Process June 2021. Collection method: clinical testing. Allele origin: germline. Affected: yes.
Comment: In silico analysis suggests that this missense variant does not alter protein structure/function; This variant is associated with the following publications: (PMID: 31589614, 23499370, 26024099, 30798147, 29925512, 26593885, 28041643, 32619608, 36969552, 35119454, 36284460, 32483926, 28181551, 38317096, 35120629, 31964843, 28327576, 35657619, 38499139, 40083649, 38219857, 39162841, 32581362, 37774808)

Fulgent Genetics
Classification: Likely pathogenic for Age related macular degeneration 2; Severe early-childhood-onset retinal dystrophy; Retinitis pigmentosa 19; Cone-rod dystrophy 3. Last evaluated: 2024-06-21. Review status: criteria provided, single submitter. Criteria: ACMG Guidelines, 2015. Collection method: clinical testing. Allele origin: germline.

Blueprint Genetics
Classification: Pathogenic for ABCA4-related disorders. Last evaluated: 2024-05-08. Review status: criteria provided, single submitter. Criteria: ACMG Guidelines, 2015. Collection method: clinical testing. Allele origin: germline. Affected: yes. Observed: 5 variant alleles.

CeGaT Center for Human Genetics Tuebingen
Classification: Likely pathogenic. Last evaluated: 2017-04-01. Review status: criteria provided, single submitter. Criteria: CeGaT Center For Human Genetics Tuebingen Variant Classification Criteria Version 2. Collection method: clinical testing. Allele origin: germline. Affected: yes. Observed: 1 variant allele.

Eurofins Ntd Llc (ga)
Classification: Likely pathogenic. Last evaluated: 2016-08-10. Review status: criteria provided, single submitter. Criteria: EGL Classification Definitions 2015. Collection method: clinical testing. Allele origin: germline. Observed: 2 variant alleles, 2 heterozygotes.

NIHR Bioresource Rare Diseases, University of Cambridge
Classification: Likely pathogenic. Last evaluated: 2015-01-01. Review status: no assertion criteria provided. Collection method: research. Allele origin: unknown. Affected: yes. Observed: 1 variant allele. Not counted in ClinVar's aggregate classification.

Ophthalmo-Genetics Lab, Instituto de Oftalmologia Conde de Valenciana
Classification: Pathogenic for Stargardt disease 3. Review status: no assertion criteria provided. Collection method: research. Allele origin: germline. Inheritance: Autosomal recessive inheritance. Affected: yes. Not counted in ClinVar's aggregate classification.

Literature cited by the submitters: PubMed 23499370 (cited by 3 submitters); PubMed 26593885 (cited by Labcorp Genetics (formerly Invitae), Labcorp and Eurofins Ntd Llc (ga)); PubMed 28041643 (cited by Labcorp Genetics (formerly Invitae), Labcorp and NIHR Bioresource Rare Diseases, University of Cambridge); PubMed 30060493 (cited by Labcorp Genetics (formerly Invitae), Labcorp); PubMed 26024099 (cited by Eurofins Ntd Llc (ga)); PubMed 30798147 (cited by Ophthalmo-Genetics Lab, Instituto de Oftalmologia Conde de Valenciana).